The following is an entry in ClinVar:

GRCh38/hg38 12p13.31(chr12:6909787-6934028)x1

Genes: ATN1 (atrophin 1; plus strand), ENO2 (enolase 2; plus strand), LRRC23 (leucine rich repeat containing 23; plus strand), LOC130007285 (ATAC-STARR-seq lymphoblastoid active region 5889; plus strand), LOC130007286 (ATAC-STARR-seq lymphoblastoid active region 5890; plus strand) and 3 more. Cytogenetic location: 12p13.31.
Variant type: copy number loss.
Change: copy number 1 (one copy instead of two) of chr12:6,909,787-6,934,028 (24.2 kb, GRCh38 coordinates, 1-based), cytogenetic band 12p13.31.
Identifiers: ClinVar variation 4082200 (VCV004082200.1).

ClinVar aggregate classification (germline): Likely pathogenic (1 of 4 stars; one submission).

Conditions:
Congenital hypotonia, epilepsy, developmental delay, and digital anomalies (CHEDDA). Also called: ATN1-Related Neurodevelopmental Disorder. Identifiers: MedGen C5193125, MONDO:0032781, OMIM 618494.

Submission:

Department of Pediatric Genetics, University of Health Sciences, Ankara Bilkent City Children’s Hospital
Classification: Likely pathogenic for Congenital hypotonia, epilepsy, developmental delay, and digital anomalies. Last evaluated: 2024-12-01. Review status: criteria provided, single submitter. Criteria: ACMG/ClinGen CNV Guidelines, 2019. Collection method: clinical testing. Allele origin: de novo. Affected: yes.
Comment: Likely Pathogenic: Heterozygous 24 kb deletion at 12p13.31 involving ENO2 and ATN1. The ATN1 gene is associated with congenital hypotonia, epilepsy, developmental delay, and digital anomalies (OMIM #618494) through an autosomal dominant, haploinsufficient mechanism. Deletion removes coding sequence from an established HI gene (ACMG/ClinGen CNV 2019, category 2C-1/2D-4), supporting LP classification.Each of these evidence categories individually provides sufficient weight (0.90 points) to meet the Likely Pathogenic threshold (0.90–0.98).